The following is an entry in ClinVar:

NM_001130438.3(SPTAN1):c.2378T>C (p.Val793Ala)

Gene: SPTAN1 (spectrin alpha, non-erythrocytic 1; plus strand). Cytogenetic location: 9q34.11.
Variant type: single nucleotide variant.
Coding change: c.2378T>C on transcript NM_001130438.3 (MANE Select); coding-DNA position 2378, T replaced by C.
Protein change: p.Val793Ala; replaces valine 793 with alanine.
Molecular consequence: missense variant.
Genome position (GRCh38, 1-based): chr9:128,584,466, T>C. VCF-style: chr9-128584466-T-C. GRCh37 (hg19) VCF-style: chr9-131346745-T-C.
Other names: c.2378T>C, p.Val793Ala (NM_001195532.2, NM_001363759.2, NM_001363765.2 and 5 more transcripts); c.2414T>C, p.Val805Ala (NM_001375312.2, NM_001375318.1); short protein forms V793A, V805A.
Identifiers: ClinVar variation 2659540 (VCV002659540.24), dbSNP rs2541202262, ClinGen allele CA375057602.

ClinVar aggregate classification (germline): Uncertain significance (1 of 4 stars; one submission).

Allele frequency attached by ClinVar (database versions not stated): gnomAD exomes below 0.00001.
gnomAD v4.1: 1 of 1,614,072 alleles (0.000062%); highest among the groups gnomAD compares: African/African-American, 0.0013%; no homozygotes.

Submission:

CeGaT Center for Human Genetics Tuebingen
Classification: Uncertain significance. Last evaluated: 2023-03-01. Review status: criteria provided, single submitter. Criteria: CeGaT Center For Human Genetics Tuebingen Variant Classification Criteria Version 2. Collection method: clinical testing. Allele origin: germline. Affected: yes. Observed: 1 variant allele.
Comment: SPTAN1: PM2, PP2, BP5